The following is an entry in ClinVar:

ClinVar aggregate classification (germline): Pathogenic (1 of 4 stars; one submission).

Conditions:
Multiple endocrine neoplasia, type 1 (MEN1). Also called: Endocrine adenomatosis multiple; MEN 1; MEA I; MEN I; WERMER SYNDROME. Identifiers: Orphanet 652, MedGen C0025267, MeSH D018761, MONDO:0007540, OMIM 131100.

Submission:

Labcorp Genetics (formerly Invitae), Labcorp
Classification: Pathogenic for Multiple endocrine neoplasia, type 1. Last evaluated: 2022-10-24. Review status: criteria provided, single submitter. Criteria: Invitae Variant Classification Sherloc (09022015). Collection method: clinical testing. Allele origin: germline.
Comment: For these reasons, this variant has been classified as Pathogenic. ClinVar contains an entry for this variant (Variation ID: 649025). This variant has not been reported in the literature in individuals affected with MEN1-related conditions. This variant is not present in population databases (gnomAD no frequency). This sequence change creates a premature translational stop signal (p.Pro407*) in the MEN1 gene. It is expected to result in an absent or disrupted protein product. Loss-of-function variants in MEN1 are known to be pathogenic (PMID: 12112656, 17853334).

Literature cited by the submitters: PubMed 12112656; PubMed 17853334.

NM_001370259.2(MEN1):c.1219_1220del (p.Asp406_Pro407insTer)

Gene: MEN1 (menin 1; minus strand). Cytogenetic location: 11q13.1.
Variant type: Deletion.
Coding change: c.1219_1220del on transcript NM_001370259.2 (MANE Select); coding-DNA positions 1219 to 1220, 2 bases deleted (CC; older notation c.1219_1220delCC).
Protein change: p.Asp406_Pro407insTer.
Molecular consequence: nonsense.
Genome position (GRCh38, 1-based): chr11:64,805,164-64,805,165, GG deleted on the plus strand (CC on the coding strand, the reverse complement: MEN1 is on the minus strand); deleting any 2 consecutive bases within chr11:64,805,164-64,805,166 gives the same sequence; the c. name uses the placement nearest the transcript's 3' end. VCF-style (leftmost placement, unchanged base first): chr11-64805163-AGG-A. GRCh37 (hg19) VCF-style: chr11-64572635-AGG-A.
Other names: c.1234_1235del, p.Asp411_Pro412insTer (NM_000244.4, NM_130800.3, NM_130801.3 and 3 more transcripts); c.1345_1346del, p.Asp448_Pro449insTer (NM_001370251.2); c.1219_1220del, p.Asp406_Pro407insTer (NM_001370260.2, NM_001370261.2, NM_130799.3); c.1114_1115del, p.Asp371_Pro372insTer (NM_001370262.2, NM_001370263.2); c.1219_1220delCC (NM_130799.2).
Identifiers: ClinVar variation 649025 (VCV000649025.7), dbSNP rs1592637455, ClinGen allele CA915948605.